The following is an entry in ClinVar:

NM_000478.6(ALPL):c.1427A>C (p.Glu476Ala)

Gene: ALPL (alkaline phosphatase, biomineralization associated; plus strand). Cytogenetic location: 1p36.12.
Variant type: single nucleotide variant.
Coding change: c.1427A>C on transcript NM_000478.6 (MANE Select); coding-DNA position 1427, A replaced by C.
Protein change: p.Glu476Ala; replaces glutamic acid 476 with alanine.
Molecular consequence: missense variant.
Genome position (GRCh38, 1-based): chr1:21,577,500, A>C. VCF-style: chr1-21577500-A-C. GRCh37 (hg19) VCF-style: chr1-21903993-A-C.
Other names: p.Glu476Ala; c.1427A>C (NM_000478.5); c.1262A>C, p.Glu421Ala (NM_001127501.4); c.1196A>C, p.Glu399Ala (NM_001177520.3); c.1427A>C, p.Glu476Ala (NM_001369803.2, NM_001369804.2, NM_001369805.2); short protein forms E399A, E421A, E476A.
Identifiers: ClinVar variation 1300140 (VCV001300140.14), dbSNP rs2148195004, ClinGen allele CA338882175.
Genomic context (GRCh38, chr1:21,577,500, plus strand): 5'-GGGAGGACGTGGCCGTCTTCTCCAAGGGCCCCATGGCGCACCTGCTGCACGGCGTCCACG[A>C]GCAGAACTACGTCCCCCACGTGATGGCGTATGCAGCCTGCATCGGGGCCAACCTCGGCCA-3'
Protein context (NP_000469.3, residues 466-486): PMAHLLHGVH[Glu476Ala]QNYVPHVMAY

ClinVar aggregate classification (germline): Pathogenic/Likely pathogenic. Review status: criteria provided, multiple submitters, no conflicts (2 of 4 stars). 8 submissions from 8 submitters: Pathogenic (3); Likely pathogenic (5). Last evaluated 2026-05-18.

Conditions:
Hypophosphatasia. Also called: Phosphoethanol-aminuria. Identifiers: Orphanet 436, MedGen C0020630, MeSH D007014, MONDO:0018570.
Adult hypophosphatasia. Identifiers: Orphanet 247676, Orphanet 436, MedGen C0268413, MONDO:1010154, OMIM 146300, MONDO:0007798.
Childhood hypophosphatasia. Identifiers: Orphanet 247667, Orphanet 436, MedGen C0220743, MONDO:1010168, OMIM 241510, MONDO:0009428.
Infantile hypophosphatasia. Identifiers: Orphanet 247651, Orphanet 436, MedGen C0268412, MONDO:1010169, OMIM 241500, MONDO:0009427.

gnomAD v4.1: 1 of 1,608,948 alleles (0.000062%); highest among the groups gnomAD compares: Non-Finnish European, 0.000085%; no homozygotes.

Submissions (8):

Myriad Genetics, Inc.
Classification: Likely pathogenic for Hypophosphatasia. Last evaluated: 2026-05-18. Review status: criteria provided, single submitter. Criteria: Myriad Autosomal Dominant, Autosomal Recessive and X-Linked Classification Criteria (2023). Collection method: clinical testing. Allele origin: unknown.
Comment: NM_000478.4(ALPL):c.1427A>C(E476A) is a missense variant classified as likely pathogenic in the context of hypophosphatasia. Please note that E476A is associated with autosomal dominant hypophosphatasia. The reproductive risk may be as high as 50%. E476A has been observed in a case with relevant disease (PMID: 19500388). Relevant functional assessments of this variant are available in the literature (PMID: 19500388, 32160374). E476A has not been observed in referenced population frequency databases. In summary, NM_000478.4(ALPL):c.1427A>C(E476A) is a missense variant that has functional support for pathogenicity and has been observed more frequently in cases with the relevant disease than in healthy populations. Please note: this variant was assessed in the context of healthy population screening.

Labcorp Genetics (formerly Invitae), Labcorp
Classification: Pathogenic. Last evaluated: 2025-11-06. Review status: criteria provided, single submitter. Criteria: Invitae Variant Classification Sherloc (09022015). Collection method: clinical testing. Allele origin: germline.
Comment: This sequence change replaces glutamic acid, which is acidic and polar, with alanine, which is neutral and non-polar, at codon 476 of the ALPL protein (p.Glu476Ala). This variant is not present in population databases (gnomAD no frequency). This missense change has been observed in individual(s) with autosomal dominant hypophosphatasia (PMID: 19500388, 29236161; internal data). ClinVar contains an entry for this variant (Variation ID: 1300140). Invitae Evidence Modeling of protein sequence and biophysical properties (such as structural, functional, and spatial information, amino acid conservation, physicochemical variation, residue mobility, and thermodynamic stability) indicates that this missense variant is expected to disrupt ALPL protein function with a positive predictive value of 95%. Experimental studies have shown that this missense change affects ALPL function (PMID: 19500388). This variant disrupts the p.Glu476 amino acid residue in ALPL. Other variant(s) that disrupt this residue have been determined to be pathogenic (PMID: 10094560, 22781519, 25731960, 28749478). This suggests that this residue is clinically significant, and that variants that disrupt this residue are likely to be disease-causing. For these reasons, this variant has been classified as Pathogenic.

Genomenon, Inc
Classification: Pathogenic for Hypophosphatasia. Last evaluated: 2025-08-29. Review status: criteria provided, single submitter. Criteria: Genomenon Sequence Variant Interpretation Standards. Collection method: curation. Allele origin: germline. Affected: yes.
Comment: ALPL Glu476Ala (c.1427A>C) is a missense variant that changes the amino acid at residue 476 from Glutamic acid to Alanine. This variant has been observed in at least one proband affected with hypophosphatasia (PMID:29236161;19500388). At least one functional study has demonstrated a substantial alteration in protein function relative to the wild-type (PMID:19500388). It is absent or not present at a significant frequency in gnomAD. In silico models agree that this variant is possibly or probably damaging. In conclusion, we classify ALPL p.Glu476Ala (c.1427A>C) as a pathogenic variant.

Natera, Inc.
Classification: Likely pathogenic for Hypophosphatasia. Last evaluated: 2024-04-15. Review status: criteria provided, single submitter. Criteria: Natera Variant Classification Schema (03/2026). Collection method: clinical testing. Allele origin: germline.
Comment: The c.1427A>C variant in ALPL is a missense variant predicted to cause substitution of glutamic acid to alanine at amino acid 476. This variant is rare in the general population with a frequency below the threshold expected for the associated phenotype(s). Functional studies show that this variant may disrupt protein function (PMID: 19500388). A different variant at the same position has been determined to be Pathogenic or Likely Pathogenic. Computational prediction algorithms indicate this variant is likely to affect gene or protein function. Given the available evidence, this variant is classified as Likely Pathogenic.

Baylor Genetics
Classification: Likely pathogenic for Adult hypophosphatasia. Last evaluated: 2023-07-19. Review status: criteria provided, single submitter. Criteria: ACMG Guidelines, 2015. Collection method: clinical testing. Allele origin: unknown.

GeneDx
Classification: Pathogenic. Last evaluated: 2023-03-03. Review status: criteria provided, single submitter. Criteria: GeneDx Variant Classification Process June 2021. Collection method: clinical testing. Allele origin: germline. Affected: yes.
Comment: Published functional studies demonstrate a dominant negative effect resulting in decreased levels of alkaline phosphatase activity (Mornet et al., 2007; Fauvert et al., 2009); A different missense change at this residue (p.(E476K)) has been reported as pathogenic in the published literature and at GeneDx in association with hypophosphatasia (Silva et al., 2012; Taillandier et al., 2017; Del Angel et al., 2020); Not observed at significant frequency in large population cohorts (gnomAD); In silico analysis supports that this missense variant has a deleterious effect on protein structure/function; This variant is associated with the following publications: (PMID: 17916236, 29236161, 19500388, 22781519, 32160374)

Fulgent Genetics
Classification: Likely pathogenic for Adult hypophosphatasia; Infantile hypophosphatasia; Childhood hypophosphatasia. Last evaluated: 2021-11-09. Review status: criteria provided, single submitter. Criteria: ACMG Guidelines, 2015. Collection method: clinical testing. Allele origin: unknown.

Molecular Diagnostics Laboratory, M Health Fairview: University of Minnesota
Classification: Likely pathogenic for Hypophosphatasia. Last evaluated: 2021-07-02. Review status: criteria provided, single submitter. Criteria: ACMG Guidelines, 2015. Collection method: clinical testing. Allele origin: germline. Affected: yes.

Literature cited by the submitters: PubMed 19500388 (cited by 4 submitters); PubMed 32160374 (cited by Myriad Genetics, Inc.); PubMed 29236161 (cited by Labcorp Genetics (formerly Invitae), Labcorp and Genomenon, Inc); PubMed 10094560 (cited by Labcorp Genetics (formerly Invitae), Labcorp); PubMed 22781519 (cited by Labcorp Genetics (formerly Invitae), Labcorp); PubMed 25731960 (cited by Labcorp Genetics (formerly Invitae), Labcorp); PubMed 28749478 (cited by Labcorp Genetics (formerly Invitae), Labcorp).